The following is an entry in ClinVar:

ClinVar aggregate classification (germline): Likely benign. Review status: criteria provided, multiple submitters, no conflicts (2 of 4 stars). 5 submissions from 5 submitters: Likely benign (5). Last evaluated 2025-11-12.

Conditions:
Hereditary cancer-predisposing syndrome. Also called: Hereditary neoplastic syndrome; Tumor predisposition; Neoplastic Syndromes, Hereditary; Hereditary Cancer Syndrome. Identifiers: Orphanet 140162, MedGen C0027672, MeSH D009386, MONDO:0015356.

Allele frequency attached by ClinVar (database versions not stated): gnomAD 0.00001; gnomAD exomes 0.00002; TOPMed 0.00002; ExAC 0.00004; 1000 Genomes Project 0.00020; 1000 Genomes Project 30x 0.00031.
gnomAD v4.1: 40 of 1,614,176 alleles (0.0025%); highest among the groups gnomAD compares: South Asian, 0.016%; no homozygotes.

Submissions (5):

Labcorp Genetics (formerly Invitae), Labcorp
Classification: Likely benign. Last evaluated: 2025-11-12. Review status: criteria provided, single submitter. Criteria: Invitae Variant Classification Sherloc (09022015). Collection method: clinical testing. Allele origin: germline.

Center for Genomic Medicine, Rigshospitalet, Copenhagen University Hospital
Classification: Likely benign. Last evaluated: 2025-03-04. Review status: criteria provided, single submitter. Criteria: ACMG Guidelines, 2015. Collection method: clinical testing. Allele origin: germline.

CeGaT Center for Human Genetics Tuebingen
Classification: Likely benign. Last evaluated: 2024-09-01. Review status: criteria provided, single submitter. Criteria: CeGaT Center For Human Genetics Tuebingen Variant Classification Criteria Version 2. Collection method: clinical testing. Allele origin: germline. Affected: yes. Observed: 1 variant allele.
Comment: POLE: BP4, BP7

GeneDx
Classification: Likely benign. Last evaluated: 2018-06-14. Review status: criteria provided, single submitter. Criteria: GeneDx Variant Classification (06012015). Collection method: clinical testing. Allele origin: germline. Affected: yes.
Comment: This variant is considered likely benign or benign based on one or more of the following criteria: it is a conservative change, it occurs at a poorly conserved position in the protein, it is predicted to be benign by multiple in silico algorithms, and/or has population frequency not consistent with disease.

Ambry Genetics
Classification: Likely benign for Hereditary cancer-predisposing syndrome. Last evaluated: 2015-09-28. Review status: criteria provided, single submitter. Criteria: Ambry Variant Classification Scheme 2023. Collection method: clinical testing. Allele origin: germline.

NM_006231.4(POLE):c.1533C>T (p.His511=)

Gene: POLE (DNA polymerase epsilon, catalytic subunit; minus strand). Cytogenetic location: 12q24.33.
Variant type: single nucleotide variant.
Coding change: c.1533C>T on transcript NM_006231.4 (MANE Select); coding-DNA position 1533, C replaced by T.
Protein change: p.His511=; no amino-acid change (histidine 511 retained).
Molecular consequence: synonymous variant.
Genome position (GRCh38, 1-based): chr12:132,672,780, G>A on the plus strand (C>T on the coding strand, the complement: POLE is on the minus strand). VCF-style: chr12-132672780-G-A. GRCh37 (hg19) VCF-style: chr12-133249366-G-A.
Identifiers: ClinVar variation 473466 (VCV000473466.32), dbSNP rs545378475, ClinGen allele CA6893919.